The following is an entry in ClinVar:

ClinVar aggregate classification (germline): Uncertain significance (1 of 4 stars; one submission).

Conditions:
Biotinidase deficiency. Also called: BTD deficiency; Late-onset biotin-responsive multiple carboxylase deficiency; Biotin deficiency. Identifiers: Orphanet 79241, MedGen C0220754, MONDO:0009665, OMIM 253260.

Allele frequency attached by ClinVar (database versions not stated): gnomAD exomes below 0.00001; TOPMed below 0.00001; ExAC 0.00001; gnomAD 0.00001.
gnomAD v4.1: 3 of 1,614,126 alleles (0.00019%); highest among the groups gnomAD compares: African/African-American, 0.0013%; no homozygotes.

Submission:

Labcorp Genetics (formerly Invitae), Labcorp
Classification: Uncertain significance for Biotinidase deficiency. Last evaluated: 2023-07-21. Review status: criteria provided, single submitter. Criteria: Invitae Variant Classification Sherloc (09022015). Collection method: clinical testing. Allele origin: germline.
Comment: This sequence change replaces serine, which is neutral and polar, with arginine, which is basic and polar, at codon 330 of the BTD protein (p.Ser330Arg). This variant is present in population databases (rs768876766, gnomAD 0.007%). This variant has not been reported in the literature in individuals affected with BTD-related conditions. ClinVar contains an entry for this variant (Variation ID: 2159814). Advanced modeling of protein sequence and biophysical properties (such as structural, functional, and spatial information, amino acid conservation, physicochemical variation, residue mobility, and thermodynamic stability) performed at Invitae indicates that this missense variant is expected to disrupt BTD protein function. In summary, the available evidence is currently insufficient to determine the role of this variant in disease. Therefore, it has been classified as a Variant of Uncertain Significance.

NM_001370658.1(BTD):c.928A>C (p.Ser310Arg)

Gene: BTD (biotinidase; plus strand). Cytogenetic location: 3p25.1.
Variant type: single nucleotide variant.
Coding change: c.928A>C on transcript NM_001370658.1 (MANE Select); coding-DNA position 928, A replaced by C.
Protein change: p.Ser310Arg; replaces serine 310 with arginine.
Molecular consequence: missense variant. On other transcripts: intron variant (1).
Genome position (GRCh38, 1-based): chr3:15,644,844, A>C. VCF-style: chr3-15644844-A-C. GRCh37 (hg19) VCF-style: chr3-15686351-A-C.
Other names: c.988A>C, p.Ser330Arg (NM_000060.4); c.928A>C, p.Ser310Arg (NM_001281723.4, NM_001281724.3, NM_001281725.3 and 18 more transcripts); c.399+2787A>C (NM_001370753.1); short protein forms S330R, S310R.
Identifiers: ClinVar variation 2159814 (VCV002159814.4), dbSNP rs768876766, ClinGen allele CA2277402.